The following is an entry in ClinVar:

ClinVar aggregate classification (germline): Uncertain significance (1 of 4 stars; one submission).

Conditions:
Cardiomyopathy (CMYO). Also called: Cardiomyopathies. Identifiers: Orphanet 167848, MedGen C0878544, MONDO:0004994, HP:0001638. Inheritance: Various modes of inheritance.

Submission:

Color Diagnostics, LLC DBA Color Health
Classification: Uncertain significance for Cardiomyopathy. Last evaluated: 2023-12-04. Review status: criteria provided, single submitter. Criteria: ACMG Guidelines, 2015. Collection method: clinical testing. Allele origin: germline.
Comment: Variant of Uncertain Significance due to insufficient evidence: This missense variant is located in the central rod domain of the DSP protein that is thought to form a dimeric coiled coil. Computational prediction tools and conservation analyses are inconclusive regarding the impact of this variant on the protein function. Computational splicing tools suggest that this variant may not impact RNA splicing. To our knowledge, functional assays have not been performed for this variant nor has this variant been reported in individuals affected with cardiovascular disorders in the literature. This variant is rare in the general population and has been identified in 0/277264 chromosomes by the Genome Aggregation Database (gnomAD). Available evidence is insufficient to determine the pathogenicity of this variant conclusively.

NM_004415.4(DSP):c.4384A>G (p.Ser1462Gly)

Gene: DSP (desmoplakin; plus strand). Cytogenetic location: 6p24.3.
Variant type: single nucleotide variant.
Coding change: c.4384A>G on transcript NM_004415.4 (MANE Select); coding-DNA position 4384, A replaced by G.
Protein change: p.Ser1462Gly; replaces serine 1462 with glycine.
Molecular consequence: missense variant. On other transcripts: intron variant (2).
Genome position (GRCh38, 1-based): chr6:7,580,574, A>G. VCF-style: chr6-7580574-A-G. GRCh37 (hg19) VCF-style: chr6-7580807-A-G.
Other names: c.4050+334A>G (NM_001319034.2); c.3582+802A>G (NM_001008844.3); short protein forms S1462G.
Identifiers: ClinVar variation 919165 (VCV000919165.5), dbSNP rs1759397094, ClinGen allele CA362686191.